The following is an entry in ClinVar:

ClinVar aggregate classification (germline): Conflicting classifications of pathogenicity. Review status: criteria provided, conflicting classifications (1 of 4 stars). 3 submissions from 3 submitters: Uncertain significance (2); Likely benign (1). Last evaluated 2024-07-03.

Conditions:
Brugada syndrome. Also called: Sudden unexpected nocturnal death syndrome; Sudden unexplained nocturnal death syndrome; Sudden Unexplained Death Syndrome; Sudden Unexplained Nocturnal Death Syndrome (SUNDS). Identifiers: Orphanet 130, MedGen C1142166, MONDO:0015263.
Cardiovascular phenotype. Identifiers: MedGen CN230736.
Brugada syndrome 2 (BRGDA2). Identifiers: Orphanet 130, MedGen C2673193, MONDO:0012728, OMIM 611777.

Allele frequency attached by ClinVar (database versions not stated): gnomAD exomes below 0.00001 and 0.00001; TOPMed below 0.00001; ExAC 0.00002; ESP Exome Variant Server 0.00008.

Submissions (3):

Ambry Genetics
Classification: Likely benign for Cardiovascular phenotype. Last evaluated: 2024-07-03. Review status: criteria provided, single submitter. Criteria: Ambry Variant Classification Scheme 2023. Collection method: clinical testing. Allele origin: germline.

Fulgent Genetics
Classification: Uncertain significance for Brugada syndrome 2. Last evaluated: 2021-10-26. Review status: criteria provided, single submitter. Criteria: ACMG Guidelines, 2015. Collection method: clinical testing. Allele origin: unknown.

Labcorp Genetics (formerly Invitae), Labcorp
Classification: Uncertain significance for Brugada syndrome. Last evaluated: 2020-05-21. Review status: criteria provided, single submitter. Criteria: Invitae Variant Classification Sherloc (09022015). Collection method: clinical testing. Allele origin: germline.
Comment: This sequence change creates a premature translational stop signal (p.Glu126Argfs*6) in the GPD1L gene. It is expected to result in an absent or disrupted protein product. This variant is present in population databases (rs761698828, ExAC 0.02%). This variant has not been reported in the literature in individuals with GPD1L-related conditions. The current clinical and genetic evidence is not sufficient to establish whether loss-of-function variants in GPD1L cause disease. In summary, the available evidence is currently insufficient to determine the role of this variant in disease. Therefore, it has been classified as a Variant of Uncertain Significance.

NM_015141.4(GPD1L):c.376del (p.Glu126fs)

Gene: GPD1L (glycerol-3-phosphate dehydrogenase 1 like; plus strand). Cytogenetic location: 3p22.3.
Variant type: Deletion.
Coding change: c.376del on transcript NM_015141.4 (MANE Select); coding-DNA position 376, one base deleted (G; older notation c.376delG).
Protein change: p.Glu126fs; shifts the reading frame from glutamic acid 126.
Molecular consequence: frameshift variant.
Genome position (GRCh38, 1-based): chr3:32,140,237, G deleted. VCF-style (leftmost placement, unchanged base first): chr3-32140236-CG-C. GRCh37 (hg19) VCF-style: chr3-32181728-CG-C.
Other names: short protein forms E126fs.
Identifiers: ClinVar variation 1056227 (VCV001056227.9), dbSNP rs761698828, ClinGen allele CA2296634.
Genomic context (GRCh38, chr3:32,140,236, plus strand): 5'-GCCTCTTTGATTTGGCGGTTTGTTCTCTCCTAACTTCTTGGCATCCTTGTAGGGCATAGA[CG>C]AGGGCCCCGAGGGGCTGAAGCTCATTTCTGACATCATCCGTGAGAAGATGGGTATTGACA-3'